The following is an entry in ClinVar:

ClinVar aggregate classification (germline): Conflicting classifications of pathogenicity. Review status: criteria provided, conflicting classifications (1 of 4 stars). 5 submissions from 5 submitters: Uncertain significance (2); Likely benign (3). Last evaluated 2026-06-05.

Conditions:
COQ8A-related disorder. Also called: COQ8A-related condition.

Allele frequency attached by ClinVar (database versions not stated): 1000 Genomes Project 30x 0.00016; 1000 Genomes Project 0.00020; gnomAD 0.00064 and 0.00071; ESP Exome Variant Server 0.00069; TOPMed 0.00080.
gnomAD v4.1: 175 of 1,613,786 alleles (0.011%); highest among the groups gnomAD compares: African/African-American, 0.19%; 1 homozygote.

Submissions (5):

GeneDx
Classification: Uncertain significance. Last evaluated: 2026-06-05. Review status: criteria provided, single submitter. Criteria: GeneDx Variant Classification Process June 2021. Collection method: clinical testing. Allele origin: germline.
Comment: In silico analysis suggests that this missense variant does not alter protein structure/function; Has not been previously published as pathogenic or benign to our knowledge

PreventionGenetics, part of Exact Sciences
Classification: Likely benign for COQ8A-related condition. Last evaluated: 2026-04-21. Review status: criteria provided, single submitter. Criteria: ACMG Guidelines, 2015. Collection method: clinical testing. Allele origin: germline.
Comment: This variant is classified as likely benign based on ACMG/AMP sequence variant interpretation guidelines (Richards et al. 2015 PMID: 25741868, with internal and published modifications).

Labcorp Genetics (formerly Invitae), Labcorp
Classification: Likely benign. Last evaluated: 2026-01-18. Review status: criteria provided, single submitter. Criteria: Invitae Variant Classification Sherloc (09022015). Collection method: clinical testing. Allele origin: germline.

Blueprint Genetics
Classification: Likely benign. Last evaluated: 2024-06-20. Review status: criteria provided, single submitter. Criteria: ACMG Guidelines, 2015. Collection method: clinical testing. Allele origin: germline.

Mayo Clinic Laboratories, Mayo Clinic
Classification: Uncertain significance. Last evaluated: 2024-02-23. Review status: criteria provided, single submitter. Criteria: ACMG Guidelines, 2015. Collection method: clinical testing. Allele origin: germline. Observed: 2 variant alleles.
Comment: BP4

NM_020247.5(COQ8A):c.1378A>G (p.Ser460Gly)

Gene: COQ8A (coenzyme Q8A; plus strand). Cytogenetic location: 1q42.13.
Variant type: single nucleotide variant.
Coding change: c.1378A>G on transcript NM_020247.5 (MANE Select); coding-DNA position 1378, A replaced by G.
Protein change: p.Ser460Gly; replaces serine 460 with glycine.
Molecular consequence: missense variant.
Genome position (GRCh38, 1-based): chr1:226,984,215, A>G. VCF-style: chr1-226984215-A-G. GRCh37 (hg19) VCF-style: chr1-227171916-A-G.
Other names: p.Ser460Gly; c.1378A>G (NM_020247.4); short protein forms S460G.
Identifiers: ClinVar variation 1661954 (VCV001661954.14), dbSNP rs149364914, ClinGen allele CA1425449.
Genomic context (GRCh38, chr1:226,984,215, plus strand): 5'-CCACATGTGCTGACCACAGAGCTGGTGTCTGGCTTCCCCCTGGACCAGGCCGAAGGGCTC[A>G]GCCAGGAGATTCGGAACGAGGTTTGTCTGTGCCAGCAGACAGGTGGGGCCAGGGTGGCCC-3'
Protein context (NP_064632.2, residues 450-470): GFPLDQAEGL[Ser460Gly]QEIRNEICYN